The following is an entry in ClinVar:

NM_001374828.1(ARID1B):c.2645C>T (p.Pro882Leu)

Gene: ARID1B (AT-rich interaction domain 1B; plus strand). Cytogenetic location: 6q25.3.
Variant type: single nucleotide variant.
Coding change: c.2645C>T on transcript NM_001374828.1 (MANE Select); coding-DNA position 2645, C replaced by T.
Protein change: p.Pro882Leu; replaces proline 882 with leucine.
Molecular consequence: missense variant.
Genome position (GRCh38, 1-based): chr6:157,133,091, C>T. VCF-style: chr6-157133091-C-T. GRCh37 (hg19) VCF-style: chr6-157454225-C-T.
Other names: c.2396C>T, p.Pro799Leu (NM_001346813.1); c.146C>T, p.Pro49Leu (NM_001363725.2); c.2684C>T, p.Pro895Leu (NM_001371656.1, NM_001374820.1); c.2645C>T, p.Pro882Leu (NM_017519.3); c.2435C>T, p.Pro812Leu (NM_020732.3); c.2222C>T, p.Pro741Leu (NM_175863.2); short protein forms P812L, P882L, P49L, P741L, P799L, P895L.
Identifiers: ClinVar variation 2188168 (VCV002188168.4), dbSNP rs2537639269, ClinGen allele CA366388331.
Genomic context (GRCh38, chr6:157,133,091, plus strand): 5'-TTATGGCAGGCACACAAAGAAACCCTCAGATGGCTCAGTATGGACCTCAACAGACAGGAC[C>T]ATCCATGTCGCCTCATCCTTCTCCTGGGGGCCAGATGCATGCTGGAATCAGTAGCTTTCA-3'
Protein context (NP_001361757.1, residues 872-892): MAQYGPQQTG[Pro882Leu]SMSPHPSPGG

ClinVar aggregate classification (germline): Uncertain significance (1 of 4 stars; one submission).

Submission:

Labcorp Genetics (formerly Invitae), Labcorp
Classification: Uncertain significance. Last evaluated: 2022-10-14. Review status: criteria provided, single submitter. Criteria: Invitae Variant Classification Sherloc (09022015). Collection method: clinical testing. Allele origin: germline.
Comment: In summary, the available evidence is currently insufficient to determine the role of this variant in disease. Therefore, it has been classified as a Variant of Uncertain Significance. Advanced modeling of protein sequence and biophysical properties (such as structural, functional, and spatial information, amino acid conservation, physicochemical variation, residue mobility, and thermodynamic stability) has been performed at Invitae for this missense variant, however the output from this modeling did not meet the statistical confidence thresholds required to predict the impact of this variant on ARID1B protein function. This variant has not been reported in the literature in individuals affected with ARID1B-related conditions. This variant is not present in population databases (gnomAD no frequency). This sequence change replaces proline, which is neutral and non-polar, with leucine, which is neutral and non-polar, at codon 812 of the ARID1B protein (p.Pro812Leu).